The following is an entry in ClinVar:

NM_001005373.4(LRSAM1):c.1355T>C (p.Met452Thr)

Gene: LRSAM1 (leucine rich repeat and sterile alpha motif containing 1; plus strand). Cytogenetic location: 9q33.3.
Variant type: single nucleotide variant.
Coding change: c.1355T>C on transcript NM_001005373.4 (MANE Select); coding-DNA position 1355, T replaced by C.
Protein change: p.Met452Thr; replaces methionine 452 with threonine.
Molecular consequence: missense variant. On other transcripts: non-coding transcript variant (2).
Genome position (GRCh38, 1-based): chr9:127,489,451, T>C. VCF-style: chr9-127489451-T-C. GRCh37 (hg19) VCF-style: chr9-130251730-T-C.
Other names: c.1355T>C, p.Met452Thr (NM_001005374.4, NM_001190723.3, NM_001384142.1 and 2 more transcripts); c.566T>C, p.Met189Thr (NM_001384144.1); short protein forms M189T, M452T.
Identifiers: ClinVar variation 1003862 (VCV001003862.8), dbSNP rs765226810, ClinGen allele CA5246960.
Genomic context (GRCh38, chr9:127,489,451, plus strand): 5'-CAGGGAAAAGTGTGGGCACGGCCCCTGCTGAGGGCTGGTGGTCTGTGTTGCAGAGCGCGA[T>C]GCAGAAGGCTGCGTTCGAGGCACTCCAGGTGAAGAAAGACCTGATGCATCGGCAGATCAG-3'
Protein context (NP_001005373.1, residues 442-462): AISQILQESA[Met452Thr]QKAAFEALQV

ClinVar aggregate classification (germline): Uncertain significance (1 of 4 stars; one submission).

Conditions:
Charcot-Marie-Tooth disease axonal type 2P. Also called: CHARCOT-MARIE-TOOTH NEUROPATHY, TYPE 2P; Charcot-Marie-Tooth Neuropathy Type 2G; CMT 2G; CHARCOT-MARIE-TOOTH DISEASE, AXONAL, TYPE 2G. Identifiers: Orphanet 300319, Orphanet 99941, MedGen C3280797, MONDO:0013753, OMIM 614436.

Allele frequency attached by ClinVar (database versions not stated): ExAC 0.00001; gnomAD 0.00001; gnomAD exomes 0.00001; TOPMed 0.00006.
gnomAD v4.1: 9 of 1,607,912 alleles (0.00056%); highest among the groups gnomAD compares: Admixed American, 0.0034%; no homozygotes.

Submission:

Labcorp Genetics (formerly Invitae), Labcorp
Classification: Uncertain significance for Charcot-Marie-Tooth disease axonal type 2P. Last evaluated: 2025-05-15. Review status: criteria provided, single submitter. Criteria: Invitae Variant Classification Sherloc (09022015). Collection method: clinical testing. Allele origin: germline.
Comment: This sequence change replaces methionine, which is neutral and non-polar, with threonine, which is neutral and polar, at codon 452 of the LRSAM1 protein (p.Met452Thr). The frequency data for this variant in the population databases is considered unreliable, as metrics indicate poor data quality at this position in the gnomAD database. This variant has not been reported in the literature in individuals affected with LRSAM1-related conditions. ClinVar contains an entry for this variant (Variation ID: 1003862). Invitae Evidence Modeling of protein sequence and biophysical properties (such as structural, functional, and spatial information, amino acid conservation, physicochemical variation, residue mobility, and thermodynamic stability) has been performed for this missense variant. However, the output from this modeling did not meet the statistical confidence thresholds required to predict the impact of this variant on LRSAM1 protein function. In summary, the available evidence is currently insufficient to determine the role of this variant in disease. Therefore, it has been classified as a Variant of Uncertain Significance.